The following is an entry in ClinVar:

ClinVar aggregate classification (germline): Likely pathogenic (0 of 4 stars; one submission).

Conditions:
Cohen syndrome (COH1). Also called: PEPPER SYNDROME; Cutis verticis gyrata, retinitis pigmentosa, and sensorineural deafness. Identifiers: Orphanet 193, MedGen C0265223, MONDO:0008999, OMIM 216550.

Submission:

Juha Muilu Group; Institute for Molecular Medicine Finland (FIMM)
Classification: Likely pathogenic for Cohen syndrome. Review status: no assertion criteria provided. Collection method: not provided. Allele origin: unknown.
Comment: FinDis database variant: This variant was not found or characterized by our laboratory, data were collected from public sources: see reference
ClinVar note: Converted during submission from probable-pathogenic to Likely pathogenic.

NM_152564.5(VPS13B):c.4497dup (p.Glu1500fs)

Gene: VPS13B (vacuolar protein sorting 13 homolog B; plus strand). Cytogenetic location: 8q22.2.
Variant type: Duplication.
Coding change: c.4497dup on transcript NM_152564.5 (MANE Select); coding-DNA position 4497, one base duplicated (A; older notation c.4497dupA).
Protein change: p.Glu1500fs; shifts the reading frame from glutamic acid 1500.
Molecular consequence: frameshift variant.
Genome position (GRCh38, 1-based): chr8:99,511,376, A duplicated; the last of 5 consecutive A bases (chr8:99,511,372-99,511,376); duplicating any one gives the same sequence. VCF-style (leftmost placement, unchanged base first): chr8-99511371-C-CA. GRCh37 (hg19) VCF-style: chr8-100523599-C-CA.
Other names: c.4572dupA (NM_017890.4); c.4572dup, p.Glu1525fs (NM_017890.5); short protein forms E1525fs, E1500fs.
Identifiers: ClinVar variation 56667 (VCV000056667.2), dbSNP rs386834089, ClinGen allele CA264085.